The following is an entry in ClinVar:

NM_001040142.2(SCN2A):c.2893_2901del (p.Met965_Met967del)

Gene: SCN2A (sodium voltage-gated channel alpha subunit 2; plus strand). Cytogenetic location: 2q24.3.
Variant type: Deletion.
Coding change: c.2893_2901del on transcript NM_001040142.2 (MANE Select); coding-DNA positions 2893 to 2901, 9 bases deleted (ATGGTCATG; older notation c.2893_2901delATGGTCATG).
Protein change: p.Met965_Met967del.
Molecular consequence: inframe deletion.
Genome position (GRCh38, 1-based): chr2:165,344,885-165,344,893, ATGGTCATG deleted; deleting any 9 consecutive bases within chr2:165,344,880-165,344,893 gives the same sequence; the c. name uses the placement nearest the transcript's 3' end. VCF-style (leftmost placement, unchanged base first): chr2-165344879-TTCATGATGG-T. GRCh37 (hg19) VCF-style: chr2-166201389-TTCATGATGG-T.
Other names: c.2893_2901del, p.Met965_Met967del (NM_001040143.2, NM_001371246.1, NM_001371247.1 and 1 more transcripts).
Identifiers: ClinVar variation 1510420 (VCV001510420.8), dbSNP rs2105319200, ClinGen allele CA2573133617.

ClinVar aggregate classification (germline): Likely pathogenic (1 of 4 stars; one submission).

Conditions:
Developmental and epileptic encephalopathy, 11 (DEE11). Also called: Early infantile epileptic encephalopathy 11. Identifiers: Orphanet 1934, MedGen C3150987, MONDO:0013388, OMIM 613721.
Seizures, benign familial infantile, 3 (BFIS3). Also called: Familial neonatal seizures; CONVULSIONS, BENIGN FAMILIAL INFANTILE, 3. Identifiers: Orphanet 140927, Orphanet 306, MedGen C1843140, MONDO:0011904, OMIM 607745.

Submission:

Labcorp Genetics (formerly Invitae), Labcorp
Classification: Likely pathogenic for Seizures, benign familial infantile, 3; Developmental and epileptic encephalopathy, 11. Last evaluated: 2021-07-29. Review status: criteria provided, single submitter. Criteria: Invitae Variant Classification Sherloc (09022015). Collection method: clinical testing. Allele origin: germline.
Comment: In summary, the currently available evidence indicates that the variant is pathogenic, but additional data are needed to prove that conclusively. Therefore, this variant has been classified as Likely Pathogenic. Algorithms developed to predict the effect of sequence changes on RNA splicing suggest that this variant may create or strengthen a splice site. Experimental studies and prediction algorithms are not available or were not evaluated, and the functional significance of this variant is currently unknown. This variant has been observed in individual(s) with SCN2A-related conditions (Invitae). In at least one individual the variant was observed to be de novo. This variant is not present in population databases (ExAC no frequency). This variant, c.2893_2901del, results in the deletion of 3 amino acid(s) of the SCN2A protein (p.Met965_Met967del), but otherwise preserves the integrity of the reading frame.